The following is an entry in ClinVar:

ClinVar aggregate classification (germline): Likely benign. Review status: criteria provided, multiple submitters, no conflicts (2 of 4 stars). 5 submissions from 5 submitters: Likely benign (4). 1 of the submissions does not count toward it. Last evaluated 2026-01-25.

Conditions:
Inborn genetic diseases. Identifiers: MedGen C0950123, MeSH D030342.
Tay-Sachs disease (TSD). Also called: HEXA Disorders; GM2 gangliosidosis, type 1; Hexosaminidase alpha-subunit deficiency (variant B); Sphingolipidosis, Tay-Sachs; Hexosaminidase A Deficiency; HEXA DEFICIENCY. Identifiers: Orphanet 845, MedGen C0039373, MONDO:0010100, OMIM 272800.

Allele frequency attached by ClinVar (database versions not stated): ExAC 0.00002; gnomAD 0.00002 and 0.00003; gnomAD exomes 0.00002; TOPMed 0.00006.
gnomAD v4.1: 22 of 1,613,914 alleles (0.0014%); highest among the groups gnomAD compares: African/African-American, 0.0027%; no homozygotes.

Submissions (5):

Labcorp Genetics (formerly Invitae), Labcorp
Classification: Likely benign for Tay-Sachs disease. Last evaluated: 2026-01-25. Review status: criteria provided, single submitter. Criteria: Invitae Variant Classification Sherloc (09022015). Collection method: clinical testing. Allele origin: germline.

CeGaT Center for Human Genetics Tuebingen
Classification: Likely benign. Last evaluated: 2025-09-01. Review status: criteria provided, single submitter. Criteria: CeGaT Center For Human Genetics Tuebingen Variant Classification Criteria Version 2. Collection method: clinical testing. Allele origin: germline. Affected: yes. Observed: 1 variant allele.
Comment: HEXA: BP4, BP7

Blueprint Genetics
Classification: Likely benign. Last evaluated: 2024-06-12. Review status: criteria provided, single submitter. Criteria: ACMG Guidelines, 2015. Collection method: clinical testing. Allele origin: germline.

Ambry Genetics
Classification: Likely benign for Inborn genetic diseases. Last evaluated: 2023-12-02. Review status: criteria provided, single submitter. Criteria: Ambry Variant Classification Scheme 2023. Collection method: clinical testing. Allele origin: germline.

Natera, Inc.
Classification: Likely benign for Tay-Sachs disease. Last evaluated: 2020-09-16. Review status: no assertion criteria provided. Collection method: clinical testing. Allele origin: germline. Not counted in ClinVar's aggregate classification.

NM_000520.6(HEXA):c.1230C>T (p.Ala410=)

Gene: HEXA (hexosaminidase subunit alpha; minus strand). Cytogenetic location: 15q23.
Variant type: single nucleotide variant.
Coding change: c.1230C>T on transcript NM_000520.6 (MANE Select); coding-DNA position 1230, C replaced by T.
Protein change: p.Ala410=; no amino-acid change (alanine 410 retained).
Molecular consequence: synonymous variant.
Genome position (GRCh38, 1-based): chr15:72,346,627, G>A on the plus strand (C>T on the coding strand, the complement: HEXA is on the minus strand). VCF-style: chr15-72346627-G-A. GRCh37 (hg19) VCF-style: chr15-72638968-G-A.
Other names: c.1263C>T, p.Ala421= (NM_001318825.2).
Identifiers: ClinVar variation 697361 (VCV000697361.20), dbSNP rs751185874, ClinGen allele CA7644753.